The following is an entry in ClinVar:

ClinVar aggregate classification (germline): Uncertain significance. Review status: criteria provided, multiple submitters, no conflicts (2 of 4 stars). 2 submissions from 2 submitters: Uncertain significance (2). Last evaluated 2024-12-16.

Conditions:
Epileptic encephalopathy. Identifiers: MedGen C0543888, HP:0200134.

gnomAD v4.1: 33 of 1,610,170 alleles (0.002%); highest among the groups gnomAD compares: African/African-American, 0.004%; no homozygotes.

Submissions (2):

Ambry Genetics
Classification: Uncertain significance. Last evaluated: 2024-12-16. Review status: criteria provided, single submitter. Criteria: Ambry Variant Classification Scheme 2023. Collection method: clinical testing. Allele origin: germline.

Labcorp Genetics (formerly Invitae), Labcorp
Classification: Uncertain significance for Epileptic encephalopathy. Last evaluated: 2024-06-17. Review status: criteria provided, single submitter. Criteria: Invitae Variant Classification Sherloc (09022015). Collection method: clinical testing. Allele origin: germline.
Comment: This sequence change replaces glycine, which is neutral and non-polar, with serine, which is neutral and polar, at codon 2064 of the FASN protein (p.Gly2064Ser). This variant is present in population databases (rs371437619, gnomAD 0.02%). This variant has not been reported in the literature in individuals affected with FASN-related conditions. An algorithm developed to predict the effect of missense changes on protein structure and function (PolyPhen-2) suggests that this variant is likely to be tolerated. In summary, the available evidence is currently insufficient to determine the role of this variant in disease. Therefore, it has been classified as a Variant of Uncertain Significance.

NM_004104.5(FASN):c.6190G>A (p.Gly2064Ser)

Gene: FASN (fatty acid synthase; minus strand). Cytogenetic location: 17q25.3.
Variant type: single nucleotide variant.
Coding change: c.6190G>A on transcript NM_004104.5 (MANE Select); coding-DNA position 6190, G replaced by A.
Protein change: p.Gly2064Ser; replaces glycine 2064 with serine.
Molecular consequence: missense variant.
Genome position (GRCh38, 1-based): chr17:82,081,817, C>T on the plus strand (G>A on the coding strand, the complement: FASN is on the minus strand). VCF-style: chr17-82081817-C-T. GRCh37 (hg19) VCF-style: chr17-80039693-C-T.
Other names: c.6190G>A (NM_004104.4); short protein forms G2064S.
Identifiers: ClinVar variation 3666072 (VCV003666072.3).